The following is an entry in ClinVar:

ClinVar aggregate classification (germline): Pathogenic (1 of 4 stars; one submission).

Conditions:
Pheochromocytoma/paraganglioma syndrome 4. Also called: CAROTID BODY TUMORS AND MULTIPLE EXTRAADRENAL PHEOCHROMOCYTOMAS; SDHB-Related Hereditary Paraganglioma-Pheochromocytoma Syndrome (Paragangliomas 4); SDHB-Related Hereditary Paraganglioma-Pheochromocytoma Syndrome; PARAGANGLIOMA, FAMILIAL MALIGNANT; PARAGANGLIOMAS, HEREDITARY EXTRAADRENAL; PHEOCHROMOCYTOMA, FAMILIAL EXTRAADRENAL. Identifiers: Orphanet 29072, MedGen C1861848, MONDO:0007273, OMIM 115310.
Gastrointestinal stromal tumor. Also called: Gastrointestinal stromal tumor, somatic; Gastrointestinal stroma tumor. Identifiers: Orphanet 44890, MedGen C0238198, MeSH D046152, MONDO:0011719, OMIM 606764, HP:0100723.
Pheochromocytoma. Also called: MAX-Related Hereditary Paraganglioma-Pheochromocytoma Syndrome. Identifiers: Orphanet 29072, MedGen C0031511, MONDO:0008233, OMIM 171300, HP:0002666.

Submission:

Labcorp Genetics (formerly Invitae), Labcorp
Classification: Pathogenic for Gastrointestinal stromal tumor; Pheochromocytoma/paraganglioma syndrome 4; Pheochromocytoma. Last evaluated: 2020-12-24. Review status: criteria provided, single submitter. Criteria: Invitae Variant Classification Sherloc (09022015). Collection method: clinical testing. Allele origin: germline.
Comment: For these reasons, this variant has been classified as Pathogenic. This variant disrupts the C-terminus of the SDHB protein. Other variant(s) that disrupt this region (p.Ser239Tyrfs*8, deletion of exon 8) have been determined to be pathogenic (PMID: 15328326, 14685938, Invitae). This suggests that variants that disrupt this region of the protein are likely to be causative of disease. This variant has not been reported in the literature in individuals with SDHB-related conditions. This variant is not present in population databases (ExAC no frequency). This sequence change results in a premature translational stop signal in the SDHB gene (p.Phe226Serfs*22). While this is not anticipated to result in nonsense mediated decay, it is expected to disrupt the last 55 amino acids of the SDHB protein.

Literature cited by the submitters: PubMed 15328326; PubMed 14685938.

NM_003000.3(SDHB):c.677del (p.Phe226fs)

Gene: SDHB (succinate dehydrogenase complex iron sulfur subunit B; minus strand). Cytogenetic location: 1p36.13.
Variant type: Deletion.
Coding change: c.677del on transcript NM_003000.3 (MANE Select); coding-DNA position 677, one base deleted (T; older notation c.677delT).
Protein change: p.Phe226fs; shifts the reading frame from phenylalanine 226.
Molecular consequence: frameshift variant.
Genome position (GRCh38, 1-based): chr1:17,022,696, A deleted on the plus strand (T on the coding strand, the reverse complement: SDHB is on the minus strand); the first of 2 consecutive A bases (chr1:17,022,696-17,022,697); deleting either gives the same sequence. VCF-style (leftmost placement, unchanged base first): chr1-17022695-GA-G. GRCh37 (hg19) VCF-style: chr1-17349190-GA-G.
Other names: short protein forms F226fs.
Identifiers: ClinVar variation 840440 (VCV000840440.7), dbSNP rs2077968833, ClinGen allele CA916081284.